The following is an entry in ClinVar:

ClinVar aggregate classification (germline): Uncertain significance (1 of 4 stars; one submission).

Conditions:
Inborn genetic diseases. Identifiers: MedGen C0950123, MeSH D030342.

Submission:

Ambry Genetics
Classification: Uncertain significance for Inborn genetic diseases. Last evaluated: 2025-01-14. Review status: criteria provided, single submitter. Criteria: Ambry Variant Classification Scheme 2023. Collection method: clinical testing. Allele origin: germline.
Comment: The p.A571V variant (also known as c.1712C>T), located in coding exon 11 of the RECQL4 gene, results from a C to T substitution at nucleotide position 1712. The alanine at codon 571 is replaced by valine, an amino acid with similar properties. This amino acid position is conserved. In addition, this alteration is predicted to be tolerated by in silico analysis. Based on the available evidence, the clinical significance of this variant remains unclear.

NM_004260.4(RECQL4):c.1712C>T (p.Ala571Val)

Gene: RECQL4 (RecQ like helicase 4; minus strand). Cytogenetic location: 8q24.3.
Variant type: single nucleotide variant.
Coding change: c.1712C>T on transcript NM_004260.4 (MANE Select); coding-DNA position 1712, C replaced by T.
Protein change: p.Ala571Val; replaces alanine 571 with valine.
Molecular consequence: missense variant. On other transcripts: non-coding transcript variant (3), intron variant (3).
Genome position (GRCh38, 1-based): chr8:144,514,355, G>A on the plus strand (C>T on the coding strand, the complement: RECQL4 is on the minus strand). VCF-style: chr8-144514355-G-A. GRCh37 (hg19) VCF-style: chr8-145739739-G-A.
Other names: c.1616C>T, p.Ala539Val (NM_001413017.1, NM_001413020.1); c.1712C>T, p.Ala571Val (NM_001413018.1, NM_001413019.1, NM_001413036.1); c.641C>T, p.Ala214Val (NM_001413021.1, NM_001413022.1, NM_001413023.1 and 6 more transcripts); c.1583C>T, p.Ala528Val (NM_001413025.1); c.575C>T, p.Ala192Val (NM_001413027.1, NM_001413030.1, NM_001413032.1 and 1 more transcripts); c.1361C>T, p.Ala454Val (NM_001413029.1); c.1682C>T, p.Ala561Val (NM_001413039.1); c.611C>T, p.Ala204Val (NM_001413042.1); and 4 more; short protein forms A204V, A528V, A454V, A571V, A82V, A192V, A214V, A539V.
Identifiers: ClinVar variation 3787997 (VCV003787997.1).
Genomic context (GRCh38, chr8:144,514,355, plus strand): 5'-GGGAGGCCTCCCGCCCCCACCAGTGCCTCAGGTGTCAGCATCAGCACGTGTACCTGGGCT[G>A]CCCGAATCTGAAGGCAGCAAGATCAGAGGCACAGCCCAGGTGCCCGCCCGCTGCCTCCCT-3'
Protein context (NP_004251.4, residues 561-581): QRESVLQKIR[Ala571Val]AQVHVLMLTP